The following is an entry in ClinVar:

NM_000152.5(GAA):c.587del (p.Glu196fs)

Gene: GAA (alpha glucosidase; plus strand). Cytogenetic location: 17q25.3.
Variant type: Deletion.
Coding change: c.587del on transcript NM_000152.5 (MANE Select); coding-DNA position 587, one base deleted (A; older notation c.587delA).
Protein change: p.Glu196fs; shifts the reading frame from glutamic acid 196.
Molecular consequence: frameshift variant.
Genome position (GRCh38, 1-based): chr17:80,105,789, A deleted. VCF-style (leftmost placement, unchanged base first): chr17-80105788-GA-G. GRCh37 (hg19) VCF-style: chr17-78079587-GA-G.
Other names: c.587del, p.Glu196fs (NM_001079803.3, NM_001079804.3); c.587delA, p.Glu196Glyfs (NM_001406741.1, NM_001406742.1); short protein forms E196fs.
Identifiers: ClinVar variation 1993020 (VCV001993020.4), dbSNP rs2510350400, ClinGen allele CA2580095298.

ClinVar aggregate classification (germline): Pathogenic (1 of 4 stars; one submission).

Conditions:
Glycogen storage disease, type II (IOPD). Also called: Glycogen storage disease type 2; Acid maltase deficiency disease; Aglucosidase alfa; Deficiency of alpha-glucosidase; Deficiency of lysosomal alpha-glucosidase; Glucosidase acid-1,4-alpha deficiency. Identifiers: Orphanet 365, MedGen C0017921, MONDO:0009290, OMIM 232300.

Submission:

Labcorp Genetics (formerly Invitae), Labcorp
Classification: Pathogenic for Glycogen storage disease, type II. Last evaluated: 2022-05-11. Review status: criteria provided, single submitter. Criteria: Invitae Variant Classification Sherloc (09022015). Collection method: clinical testing. Allele origin: germline.
Comment: This sequence change creates a premature translational stop signal (p.Glu196Glyfs*25) in the GAA gene. It is expected to result in an absent or disrupted protein product. Loss-of-function variants in GAA are known to be pathogenic (PMID: 18425781, 22252923). This variant is not present in population databases (gnomAD no frequency). This variant has not been reported in the literature in individuals affected with GAA-related conditions. For these reasons, this variant has been classified as Pathogenic.

Literature cited by the submitters: PubMed 18425781; PubMed 22252923.